The following is an entry in ClinVar:

NM_001164508.2(NEB):c.7523_7526del (p.Ile2508fs)

Gene: NEB (nebulin; minus strand). Cytogenetic location: 2q23.3.
Variant type: Deletion.
Coding change: c.7523_7526del on transcript NM_001164508.2 (MANE Select); coding-DNA positions 7523 to 7526, 4 bases deleted (TCAA; older notation c.7523_7526delTCAA).
Protein change: p.Ile2508fs; shifts the reading frame from isoleucine 2508.
Molecular consequence: frameshift variant.
Genome position (GRCh38, 1-based): chr2:151,646,140-151,646,143, TTGA deleted on the plus strand (TCAA on the coding strand, the reverse complement: NEB is on the minus strand); deleting any 4 consecutive bases within chr2:151,646,140-151,646,145 gives the same sequence; the c. name uses the placement nearest the transcript's 3' end. VCF-style (leftmost placement, unchanged base first): chr2-151646139-GTTGA-G. GRCh37 (hg19) VCF-style: chr2-152502653-GTTGA-G.
Other names: c.7523_7526del, p.Ile2508fs (NM_001164507.2, NM_001271208.2, NM_004543.5); short protein forms I2508fs.
Identifiers: ClinVar variation 242434 (VCV000242434.16), dbSNP rs878854368, ClinGen allele CA16616821.

ClinVar aggregate classification (germline): Pathogenic/Likely pathogenic. Review status: criteria provided, multiple submitters, no conflicts (2 of 4 stars). 7 submissions from 7 submitters: Pathogenic (4); Likely pathogenic (2). 1 of the submissions does not count toward it. Last evaluated 2025-10-22.

Conditions:
NEB-related disorder. Also called: NEB-Related Disorders; NEB-related condition.
Arthrogryposis multiplex congenita 6. Identifiers: MedGen C5543431, MONDO:0030281, OMIM 619334.
Nemaline myopathy 2 (NEM2). Also called: Nemaline myopathy 2, autosomal recessive. Identifiers: MedGen C1850569, MONDO:0009725, OMIM 256030.

Submissions (7):

PreventionGenetics, part of Exact Sciences
Classification: Pathogenic for NEB-related condition. Last evaluated: 2025-10-22. Review status: criteria provided, single submitter. Criteria: ACMG Guidelines, 2015. Collection method: clinical testing. Allele origin: germline.
Comment: The NEB c.7523_7526delTCAA variant is predicted to result in a frameshift and premature protein termination (p.Ile2508Thrfs*14). In the literature, this variant is also referred to as g.87012_87015delAATC. This variant has been reported in the compound heterozygous state in individuals with nemaline myopathy (Family 41, mild form of disease, Lehtokari et al. 2006. PubMed ID: 16917880; #17, Punetha et al. 2016. PubMed ID: 27854218). This variant was also reported in the heterozygous state in an induvial with nemaline myopathy (Family 19, Todd et al. 2015. PubMed ID: 26578207). This variant is reported in 0.0042% of alleles in individuals of European (Non-Finnish) descent in gnomAD. Frameshift variants in NEB are expected to be pathogenic. This variant is interpreted as pathogenic.

Natera, Inc.
Classification: Likely pathogenic for Nemaline myopathy type 2. Last evaluated: 2025-09-19. Review status: criteria provided, single submitter. Criteria: Natera Variant Classification Schema (03/2026). Collection method: clinical testing. Allele origin: germline.
Comment: The c.7523_7526delTCAA variant in NEB is a frameshift variant predicted to shift the reading frame beginning at codon 2508 and leads to a stop codon 14 codons downstream. This variant is expected to result in nonsense mediated decay, truncation, or a dysfunctional protein product. This variant is rare in the general population with a frequency below the threshold expected for the associated phenotype(s). Given the available evidence, this variant is classified as Likely Pathogenic.

Labcorp Genetics (formerly Invitae), Labcorp
Classification: Pathogenic for Nemaline myopathy 2. Last evaluated: 2025-07-09. Review status: criteria provided, single submitter. Criteria: Invitae Variant Classification Sherloc (09022015). Collection method: clinical testing. Allele origin: germline.
Comment: This sequence change creates a premature translational stop signal (p.Ile2508Thrfs*14) in the NEB gene. It is expected to result in an absent or disrupted protein product. Loss-of-function variants in NEB are known to be pathogenic (PMID: 25205138). This variant is present in population databases (no rsID available, gnomAD 0.004%). This premature translational stop signal has been observed in individual(s) with nemaline myopathy (PMID: 16917880). This variant is also known as g.87012_87015del. ClinVar contains an entry for this variant (Variation ID: 242434). For these reasons, this variant has been classified as Pathogenic.

Baylor Genetics
Classification: Pathogenic for Arthrogryposis multiplex congenita 6. Last evaluated: 2024-03-16. Review status: criteria provided, single submitter. Criteria: ACMG Guidelines, 2015. Collection method: clinical testing. Allele origin: unknown.

Fulgent Genetics
Classification: Likely pathogenic for Nemaline myopathy 2; Arthrogryposis multiplex congenita 6. Last evaluated: 2021-09-02. Review status: criteria provided, single submitter. Criteria: ACMG Guidelines, 2015. Collection method: clinical testing. Allele origin: unknown.

GeneDx
Classification: Pathogenic. Last evaluated: 2017-01-23. Review status: criteria provided, single submitter. Criteria: GeneDx Variant Classification (06012015). Collection method: clinical testing. Allele origin: germline. Affected: yes.
Comment: The c.7523_7526delTCAA pathogenic variant in the NEB gene has been reported previously using alternate nomenclature (g.87012_87015delAATC) in combination with another NEB variant in an individual with a mild form of nemaline myopathy (Lehtokari et al., 2006). The c.7523_7526delTCAA variant causes a frameshift starting with codon Isoleucine 2508, changes this amino acid to a Threonine residue, and creates a premature Stop codon at position 14 of the new reading frame, denoted p.Ile2508ThrfsX14. This variant is predicted to cause loss of normal protein function either through protein truncation or nonsense-mediated mRNA decay. The c.7523_7526delTCAA variant was not observed in approximately 6,000 individuals of European and African American ancestry in the NHLBI Exome Sequencing Project, indicating it is not a common benign variant in these populations. We interpret c.7523_7526delTCAA as a pathogenic variant.

Counsyl
Classification: Pathogenic for Nemaline myopathy 2. Last evaluated: 2018-05-29. Review status: no assertion criteria provided. Collection method: clinical testing. Allele origin: unknown. Not counted in ClinVar's aggregate classification.

Literature cited by the submitters: PubMed 25205138 (cited by Labcorp Genetics (formerly Invitae), Labcorp); PubMed 16917880 (cited by Labcorp Genetics (formerly Invitae), Labcorp and Counsyl); PubMed 27854218 (cited by Counsyl); PubMed 26578207 (cited by Counsyl).